The following is an entry in ClinVar:

NM_001378328.1(CELSR1):c.2961G>A (p.Val987=)

Gene: CELSR1 (cadherin EGF LAG seven-pass G-type receptor 1; minus strand). Cytogenetic location: 22q13.31.
Variant type: single nucleotide variant.
Coding change: c.2961G>A on transcript NM_001378328.1 (MANE Select); coding-DNA position 2961, G replaced by A.
Protein change: p.Val987=; no amino-acid change (valine 987 retained).
Molecular consequence: synonymous variant.
Genome position (GRCh38, 1-based): chr22:46,534,210, C>T on the plus strand (G>A on the coding strand, the complement: CELSR1 is on the minus strand). VCF-style: chr22-46534210-C-T. GRCh37 (hg19) VCF-style: chr22-46930107-C-T.
Other names: c.2961G>A, p.Val987= (NM_014246.4).
Identifiers: ClinVar variation 1263343 (VCV001263343.5), dbSNP rs8141744, ClinGen allele CA10295129.

ClinVar aggregate classification (germline): Benign. Review status: criteria provided, multiple submitters, no conflicts (2 of 4 stars). 3 submissions from 3 submitters: Benign (2). 1 of the submissions does not count toward it. Last evaluated 2019-11-30.

Conditions:
CELSR1-related disorder. Also called: CELSR1-related condition.

Allele frequency attached by ClinVar (database versions not stated): 1000 Genomes Project 0.17612; 1000 Genomes Project 30x 0.17848; gnomAD exomes 0.19792 and 0.23478; ExAC 0.20114; TOPMed 0.22481; gnomAD 0.22488 and 0.23018; ESP Exome Variant Server 0.24262.
gnomAD v4.1: 376,436 of 1,613,642 alleles (23%); highest among the groups gnomAD compares: Non-Finnish European, 25%; 45,681 homozygotes.

Submissions (3):

GeneDx
Classification: Benign. Last evaluated: 2019-11-30. Review status: criteria provided, single submitter. Criteria: GeneDx Variant Classification Process June 2021. Collection method: clinical testing. Allele origin: germline. Affected: yes.

Breakthrough Genomics
Classification: Benign. Review status: criteria provided, single submitter. Criteria: ACMG Guidelines, 2015. Collection method: not provided. Allele origin: germline. Inheritance: Autosomal dominant inheritance. Affected: yes.

PreventionGenetics, part of Exact Sciences
Classification: Benign for CELSR1-related condition. Last evaluated: 2019-10-21. Review status: no assertion criteria provided. Collection method: clinical testing. Allele origin: germline. Not counted in ClinVar's aggregate classification.
Comment: This variant is classified as benign based on ACMG/AMP sequence variant interpretation guidelines (Richards et al. 2015 PMID: 25741868, with internal and published modifications).